The following is an entry in ClinVar:

NM_002230.4(JUP):c.1960G>A (p.Glu654Lys)

Gene: JUP (junction plakoglobin; minus strand). Cytogenetic location: 17q21.2.
Variant type: single nucleotide variant.
Coding change: c.1960G>A on transcript NM_002230.4 (MANE Select); coding-DNA position 1960, G replaced by A.
Protein change: p.Glu654Lys; replaces glutamic acid 654 with lysine.
Molecular consequence: missense variant.
Genome position (GRCh38, 1-based): chr17:41,757,501, C>T on the plus strand (G>A on the coding strand, the complement: JUP is on the minus strand). VCF-style: chr17-41757501-C-T. GRCh37 (hg19) VCF-style: chr17-39913753-C-T.
Other names: c.1960G>A, p.Glu654Lys (NM_021991.4, NM_001352773.2, NM_001352774.2 and 3 more transcripts); short protein forms E654K.
Identifiers: ClinVar variation 2948007 (VCV002948007.5), dbSNP rs1555598683, ClinGen allele CA399491922.

ClinVar aggregate classification (germline): Uncertain significance. Review status: criteria provided, multiple submitters, no conflicts (2 of 4 stars). 2 submissions from 2 submitters: Uncertain significance (2). Last evaluated 2026-03-31.

Conditions:
Cardiovascular phenotype. Identifiers: MedGen CN230736.
Naxos disease (NXD). Also called: CARDIOMYOPATHY, ARRHYTHMOGENIC RIGHT VENTRICULAR, WITH SKIN, HAIR, AND NAIL ABNORMALITIES; KERATOSIS PALMOPLANTARIS WITH ARRHYTHMOGENIC CARDIOMYOPATHY; MAL DE NAXOS; PALMOPLANTAR KERATODERMA WITH ARRHYTHMOGENIC RIGHT VENTRICULAR CARDIOMYOPATHY AND WOOLLY HAIR; WOOLLY HAIR, PALMOPLANTAR KERATODERMA, AND CARDIAC ABNORMALITIES. Identifiers: Orphanet 34217, MedGen C1832600, MONDO:0011017, OMIM 601214.
Arrhythmogenic right ventricular dysplasia 12. Also called: ARRHYTHMOGENIC RIGHT VENTRICULAR DYSPLASIA, FAMILIAL, 12. Identifiers: MedGen C1969081, MONDO:0012684, OMIM 611528.

Allele frequency attached by ClinVar (database versions not stated): gnomAD 0.00001.
gnomAD v4.1: 1 of 1,614,018 alleles (0.000062%); highest among the groups gnomAD compares: African/African-American, 0.0013%; no homozygotes.

Submissions (2):

Ambry Genetics
Classification: Uncertain significance for Cardiovascular phenotype. Last evaluated: 2026-03-31. Review status: criteria provided, single submitter. Criteria: Ambry Variant Classification Scheme 2023. Collection method: clinical testing. Allele origin: germline.
Comment: The c.1960G>A (p.E654K) alteration is located in exon 12 (coding exon 11) of the JUP gene. This alteration results from a G to A substitution at nucleotide position 1960, causing the glutamic acid (E) at amino acid position 654 to be replaced by a lysine (K). Based on data from gnomAD, the A allele has an overall frequency of 0.003% (1/31386) total alleles studied. The highest observed frequency was 0.012% (1/8712) of African alleles. Based on insufficient or conflicting evidence, the clinical significance of this alteration remains unclear.

Labcorp Genetics (formerly Invitae), Labcorp
Classification: Uncertain significance for Arrhythmogenic right ventricular dysplasia 12; Naxos disease. Last evaluated: 2023-09-18. Review status: criteria provided, single submitter. Criteria: Invitae Variant Classification Sherloc (09022015). Collection method: clinical testing. Allele origin: germline.
Comment: This sequence change replaces glutamic acid, which is acidic and polar, with lysine, which is basic and polar, at codon 654 of the JUP protein (p.Glu654Lys). This variant is present in population databases (no rsID available, gnomAD 0.01%). This variant has not been reported in the literature in individuals affected with JUP-related conditions. An algorithm developed to predict the effect of missense changes on protein structure and function (PolyPhen-2) suggests that this variant is likely to be disruptive. In summary, the available evidence is currently insufficient to determine the role of this variant in disease. Therefore, it has been classified as a Variant of Uncertain Significance.